The following is an entry in ClinVar:

Single allele

Gene: DMD (dystrophin; minus strand). Cytogenetic location: Xp21.2-21.1.
Variant type: Deletion.
Identifiers: ClinVar variation 1256403 (VCV001256403.1).

ClinVar aggregate classification (germline): Pathogenic (1 of 4 stars; one submission).

Submission:

Athena Diagnostics
Classification: Pathogenic. Last evaluated: 2021-04-05. Review status: criteria provided, single submitter. Criteria: Athena Diagnostics criteria. Collection method: clinical testing. Allele origin: unknown.
Comment: This variant is expected to severely disrupt protein function. In-frame deletions such as this one are typically associated with Becker muscular dystrophy (BMD). Yet, similar deletions of exons 56-60 have been identified in at least two individuals with Duchenne muscular dystrophy (DMD; PMID: 25972034, 26081009). This variant has not been reported in large, multi-ethnic general populations.

Literature cited by the submitters: PubMed 26081009; PubMed 25972034; PubMed 33644936.